The following is an entry in ClinVar:

NM_001143764.3(SYCE1):c.271+1G>A

Gene: SYCE1 (synaptonemal complex central element protein 1; minus strand). Cytogenetic location: 10q26.3.
Variant type: single nucleotide variant.
Coding change: c.271+1G>A on transcript NM_001143764.3 (MANE Select); the canonical splice donor site of the intron after coding-DNA position 271, G replaced by A.
Molecular consequence: splice donor variant.
Genome position (GRCh38, 1-based): chr10:133,558,876, C>T on the plus strand (G>A on the coding strand, the complement: SYCE1 is on the minus strand). VCF-style: chr10-133558876-C-T. GRCh37 (hg19) VCF-style: chr10-135372380-C-T.
Other names: IVS, G-A, +1; c.163+1G>A (NM_130784.4); c.271+1G>A (NM_001143763.2).
Identifiers: ClinVar variation 4796755 (VCV004796755.2).

ClinVar aggregate classification (germline): Likely pathogenic. Review status: criteria provided, single submitter (1 of 4 stars). 2 submissions from 2 submitters: Likely pathogenic (1). 1 of the submissions does not count toward it. Last evaluated 2025-05-23.

Conditions:
Premature ovarian failure 12 (POF12). Identifiers: MedGen C4310782, MONDO:0014844, OMIM 616947.
Spermatogenic failure 15 (SPGF15). Identifiers: MedGen C4310779, MONDO:0014847, OMIM 616950.

gnomAD v4.1: 336 of 1,613,588 alleles (0.021%); highest among the groups gnomAD compares: Non-Finnish European, 0.025%; no homozygotes.

Submissions (2):

First Genomix Gene Laboratory, Genetic Diagnostics Department
Classification: Likely pathogenic for Premature ovarian failure 12; Spermatogenic failure 15. Last evaluated: 2025-05-23. Review status: criteria provided, single submitter. Criteria: ACMG Guidelines, 2015. Collection method: clinical testing. Allele origin: germline. Inheritance: Autosomal recessive inheritance. Affected: no. Observed: 1 variant allele.

OMIM
Classification: Pathogenic for PREMATURE OVARIAN FAILURE 12. Last evaluated: 2026-02-26. Review status: no assertion criteria provided. Collection method: literature only. Allele origin: germline. Not counted in ClinVar's aggregate classification.

Literature cited by the submitters: PubMed 40936058 (cited by OMIM).